The following is an entry in ClinVar:

ClinVar aggregate classification (germline): Uncertain significance (1 of 4 stars; one submission).

Conditions:
Hereditary cancer-predisposing syndrome. Also called: Hereditary Cancer Syndrome; Tumor predisposition; Hereditary neoplastic syndrome; Neoplastic Syndromes, Hereditary. Identifiers: Orphanet 140162, MedGen C0027672, MeSH D009386, MONDO:0015356.

Submission:

Ambry Genetics
Classification: Uncertain significance for Hereditary cancer-predisposing syndrome. Last evaluated: 2024-03-22. Review status: criteria provided, single submitter. Criteria: Ambry Variant Classification Scheme 2023. Collection method: clinical testing. Allele origin: germline.
Comment: The p.C607F variant (also known as c.1820G>T), located in coding exon 6 of the BLM gene, results from a G to T substitution at nucleotide position 1820. The cysteine at codon 607 is replaced by phenylalanine, an amino acid with highly dissimilar properties. This amino acid position is conserved. In addition, this alteration is predicted to be tolerated by in silico analysis. Based on the available evidence, the clinical significance of this alteration remains unclear.

NM_000057.4(BLM):c.1820G>T (p.Cys607Phe)

Gene: BLM (BLM RecQ like helicase; plus strand). Cytogenetic location: 15q26.1.
Variant type: single nucleotide variant.
Coding change: c.1820G>T on transcript NM_000057.4 (MANE Select); coding-DNA position 1820, G replaced by T.
Protein change: p.Cys607Phe; replaces cysteine 607 with phenylalanine.
Molecular consequence: missense variant.
Genome position (GRCh38, 1-based): chr15:90,761,193, G>T. VCF-style: chr15-90761193-G-T. GRCh37 (hg19) VCF-style: chr15-91304423-G-T.
Other names: c.1820G>T, p.Cys607Phe (NM_001287246.2, NM_001287247.2); c.695G>T, p.Cys232Phe (NM_001287248.2); short protein forms C232F, C607F.
Identifiers: ClinVar variation 3261014 (VCV003261014.1).